The following is an entry in ClinVar:

NM_000540.3(RYR1):c.6628G>C (p.Val2210Leu)

Gene: RYR1 (ryanodine receptor 1; plus strand). Cytogenetic location: 19q13.2.
Variant type: single nucleotide variant.
Coding change: c.6628G>C on transcript NM_000540.3 (MANE Select); coding-DNA position 6628, G replaced by C.
Protein change: p.Val2210Leu; replaces valine 2210 with leucine.
Molecular consequence: missense variant.
Genome position (GRCh38, 1-based): chr19:38,496,294, G>C. VCF-style: chr19-38496294-G-C. GRCh37 (hg19) VCF-style: chr19-38986934-G-C.
Other names: c.6628G>C, p.Val2210Leu (NM_001042723.2); short protein forms V2210L.
Identifiers: ClinVar variation 1430890 (VCV001430890.7), dbSNP rs193922792, ClinGen allele CA405665975.
Genomic context (GRCh38, chr19:38,496,294, plus strand): 5'-GTCTTCTACCAACACCCGAACCTGATGAGGGCGCTGGGCATGCACGAGACGGTCATGGAG[G>C]TCATGGTCAACGTCCTCGGGGGCGGCGAGTCCAAGGTGAGGGCCCAGGCAGGTGCTGGGG-3'
Protein context (NP_000531.2, residues 2200-2220): ALGMHETVME[Val2210Leu]MVNVLGGGES

ClinVar aggregate classification (germline): Uncertain significance. Review status: criteria provided, multiple submitters, no conflicts (2 of 4 stars). 3 submissions from 3 submitters: Uncertain significance (3). Last evaluated 2023-12-13.

Conditions:
RYR1-related disorder. Also called: RYR1-related condition; RYR1-related disorders. Identifiers: MedGen CN239331.
Malignant hyperthermia, susceptibility to, 1 (MHS1). Also called: RYR1-Related Malignant Hyperthermia Susceptibility; Malignant hyperthermia suceptibility 1; Anesthesia related hyperthermia; Malignant hyperpyrexia; Fulminating hyperpyrexia; Pharmacogenic myopathy. Identifiers: Orphanet 423, MedGen C2930980, MONDO:0007783, OMIM 145600.

gnomAD v4.1: 2 of 1,614,046 alleles (0.00012%); highest among the groups gnomAD compares: Non-Finnish European, 0.00017%; no homozygotes.

Submissions (3):

All of Us Research Program, National Institutes of Health
Classification: Uncertain significance for Malignant hyperthermia, susceptibility to, 1. Last evaluated: 2023-12-13. Review status: criteria provided, single submitter. Criteria: ACMG Guidelines, 2015. Collection method: clinical testing. Allele origin: germline. Inheritance: Autosomal dominant inheritance. Observed: 3 variant alleles, 3 heterozygotes.
Comment: This missense variant replaces valine with leucine at codon 2210 of the RYR1 protein. Computational prediction suggests that this variant may have deleterious impact on protein structure and function (internally defined REVEL score threshold >= 0.7, PMID: 27666373). To our knowledge, functional studies have not been reported for this variant. This variant has not been reported in individuals affected with RYR1-related disorders in the literature. This variant has not been identified in the general population by the Genome Aggregation Database (gnomAD). The available evidence is insufficient to determine the role of this variant in disease conclusively. Therefore, this variant is classified as a Variant of Uncertain Significance.

This study involves interpretation of variants in research participants for the purpose of population health screening. Participant phenotype was not available at the time of variant classification. Additional details can be found in publication PMID: 35346344, PMCID: PMC8962531

Color Diagnostics, LLC DBA Color Health
Classification: Uncertain significance for Malignant hyperthermia, susceptibility to, 1. Last evaluated: 2023-09-13. Review status: criteria provided, single submitter. Criteria: ACMG Guidelines, 2015. Collection method: clinical testing. Allele origin: germline.
Comment: This missense variant replaces valine with leucine at codon 2210 of the RYR1 protein. Computational prediction suggests that this variant may have deleterious impact on protein structure and function. To our knowledge, functional studies have not been reported for this variant. This variant has not been reported in individuals affected with RYR1-related disorders in the literature. This variant has not been identified in the general population by the Genome Aggregation Database (gnomAD). The available evidence is insufficient to determine the role of this variant in disease conclusively. Therefore, this variant is classified as a Variant of Uncertain Significance.

Labcorp Genetics (formerly Invitae), Labcorp
Classification: Uncertain significance for RYR1-related disorder. Last evaluated: 2022-09-27. Review status: criteria provided, single submitter. Criteria: Invitae Variant Classification Sherloc (09022015). Collection method: clinical testing. Allele origin: germline.
Comment: This sequence change replaces valine, which is neutral and non-polar, with leucine, which is neutral and non-polar, at codon 2210 of the RYR1 protein (p.Val2210Leu). This variant is not present in population databases (gnomAD no frequency). This variant has not been reported in the literature in individuals affected with RYR1-related conditions. ClinVar contains an entry for this variant (Variation ID: 1430890). Advanced modeling of protein sequence and biophysical properties (such as structural, functional, and spatial information, amino acid conservation, physicochemical variation, residue mobility, and thermodynamic stability) has been performed at Invitae for this missense variant, however the output from this modeling did not meet the statistical confidence thresholds required to predict the impact of this variant on RYR1 protein function. In summary, the available evidence is currently insufficient to determine the role of this variant in disease. Therefore, it has been classified as a Variant of Uncertain Significance.